The following is an entry in ClinVar:

NM_000465.4(BARD1):c.107A>C (p.His36Pro)

Gene: BARD1 (BRCA1 associated RING domain 1; minus strand). Cytogenetic location: 2q35.
Variant type: single nucleotide variant.
Coding change: c.107A>C on transcript NM_000465.4 (MANE Select); coding-DNA position 107, A replaced by C.
Protein change: p.His36Pro; replaces histidine 36 with proline.
Molecular consequence: missense variant. On other transcripts: non-coding transcript variant (3).
Genome position (GRCh38, 1-based): chr2:214,809,463, T>G on the plus strand (A>C on the coding strand, the complement: BARD1 is on the minus strand). VCF-style: chr2-214809463-T-G. GRCh37 (hg19) VCF-style: chr2-215674187-T-G.
Other names: c.107A>C, p.His36Pro (NM_001282543.2, NM_001282545.2, NM_001282548.2 and 1 more transcripts); short protein forms H36P.
Identifiers: ClinVar variation 233317 (VCV000233317.19), dbSNP rs864622635, ClinGen allele CA10577862.

ClinVar aggregate classification (germline): Uncertain significance. Review status: criteria provided, multiple submitters, no conflicts (2 of 4 stars). 5 submissions from 5 submitters: Uncertain significance (5). Last evaluated 2025-10-27.

Conditions:
Hereditary cancer-predisposing syndrome. Also called: Neoplastic Syndromes, Hereditary; Tumor predisposition; Hereditary Cancer Syndrome; Hereditary neoplastic syndrome. Identifiers: Orphanet 140162, MedGen C0027672, MeSH D009386, MONDO:0015356.
Familial cancer of breast. Also called: BREAST CANCER, FAMILIAL; hereditary breast carcinoma; Hereditary breast cancer. Identifiers: Orphanet 227535, MedGen C0346153, MONDO:0016419, OMIM 114480. Disease mechanism: loss of function.

gnomAD v4.1: 1 of 1,611,128 alleles (0.000062%); highest among the groups gnomAD compares: South Asian, 0.0011%; no homozygotes.

Submissions (5):

Color Diagnostics, LLC DBA Color Health
Classification: Uncertain significance for Hereditary cancer-predisposing syndrome. Last evaluated: 2025-10-27. Review status: criteria provided, single submitter. Criteria: ACMG Guidelines, 2015. Collection method: clinical testing. Allele origin: germline.
Comment: This missense variant replaces histidine with proline at codon 36 of the BARD1 protein. Computational prediction suggests that this variant may not impact protein structure and function. To our knowledge, functional studies have not been reported for this variant. This variant has not been reported in individuals affected with BARD1-related disorders in the literature. This variant has been identified in 1/1458832 chromosomes in the general population by the Genome Aggregation Database (gnomAD). The available evidence is insufficient to determine the role of this variant in disease conclusively. Therefore, this variant is classified as a Variant of Uncertain Significance.

Ambry Genetics
Classification: Uncertain significance for Hereditary cancer-predisposing syndrome. Last evaluated: 2024-11-05. Review status: criteria provided, single submitter. Criteria: Ambry Variant Classification Scheme 2023. Collection method: clinical testing. Allele origin: germline.
Comment: The p.H36P variant (also known as c.107A>C), located in coding exon 1 of the BARD1 gene, results from an A to C substitution at nucleotide position 107. The histidine at codon 36 is replaced by proline, an amino acid with similar properties. This amino acid position is well conserved in available vertebrate species. In addition, the in silico prediction for this alteration is inconclusive. Based on the available evidence, the clinical significance of this variant remains unclear.

Labcorp Genetics (formerly Invitae), Labcorp
Classification: Uncertain significance for Familial cancer of breast. Last evaluated: 2024-10-22. Review status: criteria provided, single submitter. Criteria: Invitae Variant Classification Sherloc (09022015). Collection method: clinical testing. Allele origin: germline.
Comment: This sequence change replaces histidine, which is basic and polar, with proline, which is neutral and non-polar, at codon 36 of the BARD1 protein (p.His36Pro). This variant is not present in population databases (gnomAD no frequency). This variant has not been reported in the literature in individuals affected with BARD1-related conditions. ClinVar contains an entry for this variant (Variation ID: 233317). An algorithm developed to predict the effect of missense changes on protein structure and function (PolyPhen-2) suggests that this variant is likely to be disruptive. In summary, the available evidence is currently insufficient to determine the role of this variant in disease. Therefore, it has been classified as a Variant of Uncertain Significance.

Baylor Genetics
Classification: Uncertain significance for Familial cancer of breast. Last evaluated: 2024-03-15. Review status: criteria provided, single submitter. Criteria: ACMG Guidelines, 2015. Collection method: clinical testing. Allele origin: unknown.

GeneDx
Classification: Uncertain significance. Last evaluated: 2017-12-07. Review status: criteria provided, single submitter. Criteria: GeneDx Variant Classification (06012015). Collection method: clinical testing. Allele origin: germline. Affected: yes.
Comment: This variant is denoted BARD1 c.107A>C at the cDNA level, p.His36Pro (H36P) at the protein level, and results in the change of a Histidine to a Proline (CAC>CCC). This variant has not, to our knowledge, been published in the literature as pathogenic or benign. BARD1 His36Pro was not observed in large population cohorts (Lek 2016). Since Histidine and Proline differ in polarity, charge, size or other properties, this is considered a non-conservative amino acid substitution. BARD1 His36Pro is located in the BRCA1 interaction domain (Fox 2008). In silico analyses, including protein predictors and evolutionary conservation, support a deleterious effect. Based on currently available evidence, it is unclear whether BARD1 His36Pro is a pathogenic or benign variant. We consider it to be a variant of uncertain significance.